The following is an entry in ClinVar:

NM_016642.4(SPTBN5):c.7263+5G>A

Gene: SPTBN5 (spectrin beta, non-erythrocytic 5; minus strand). Cytogenetic location: 15q15.1.
Variant type: single nucleotide variant.
Coding change: c.7263+5G>A on transcript NM_016642.4 (MANE Select); 5 bases into the intron after coding-DNA position 7263, G replaced by A.
Molecular consequence: intron variant.
Genome position (GRCh38, 1-based): chr15:41,862,785, C>T on the plus strand (G>A on the coding strand, the complement: SPTBN5 is on the minus strand). VCF-style: chr15-41862785-C-T. GRCh37 (hg19) VCF-style: chr15-42154983-C-T.
Identifiers: ClinVar variation 2645214 (VCV002645214.24), dbSNP rs72724193, ClinGen allele CA7502309.

ClinVar aggregate classification (germline): Benign (1 of 4 stars; one submission).

Allele frequency attached by ClinVar (database versions not stated): 1000 Genomes Project 0.00040; 1000 Genomes Project 30x 0.00047; ESP Exome Variant Server 0.00088; gnomAD 0.00094; ExAC 0.00258.
gnomAD v4.1: 1,367 of 1,563,192 alleles (0.087%); highest among the groups gnomAD compares: Middle Eastern, 0.55%; 5 homozygotes.

Submission:

CeGaT Center for Human Genetics Tuebingen
Classification: Benign. Last evaluated: 2023-11-01. Review status: criteria provided, single submitter. Criteria: CeGaT Center For Human Genetics Tuebingen Variant Classification Criteria Version 2. Collection method: clinical testing. Allele origin: germline. Affected: yes. Observed: 2 variant alleles.
Comment: SPTBN5: PP3, BS1, BS2